The following is an entry in ClinVar:

NM_001042545.2(LTBP4):c.4019C>T (p.Pro1340Leu)

Gene: LTBP4 (latent transforming growth factor beta binding protein 4; plus strand). Cytogenetic location: 19q13.2.
Variant type: single nucleotide variant.
Coding change: c.4019C>T on transcript NM_001042545.2 (MANE Select); coding-DNA position 4019, C replaced by T.
Protein change: p.Pro1340Leu; replaces proline 1340 with leucine.
Molecular consequence: missense variant.
Genome position (GRCh38, 1-based): chr19:40,627,008, C>T. VCF-style: chr19-40627008-C-T. GRCh37 (hg19) VCF-style: chr19-41132913-C-T.
Other names: c.4220C>T, p.Pro1407Leu (NM_001042544.1); c.4109C>T, p.Pro1370Leu (NM_003573.2); short protein forms P1340L, P1407L, P1370L.
Identifiers: ClinVar variation 329326 (VCV000329326.7), dbSNP rs531174154, ClinGen allele CA9449213.

ClinVar aggregate classification (germline): Uncertain significance (1 of 4 stars; one submission).

Allele frequency attached by ClinVar (database versions not stated): gnomAD exomes below 0.00001 and 0.00001; ExAC 0.00001; gnomAD 0.00001; 1000 Genomes Project 0.00020; 1000 Genomes Project 30x 0.00031.
gnomAD v4.1: 2 of 1,591,800 alleles (0.00013%); highest among the groups gnomAD compares: African/African-American, 0.0013%; no homozygotes.

Submission:

Labcorp Genetics (formerly Invitae), Labcorp
Classification: Uncertain significance. Last evaluated: 2022-03-13. Review status: criteria provided, single submitter. Criteria: Invitae Variant Classification Sherloc (09022015). Collection method: clinical testing. Allele origin: germline.
Comment: This sequence change replaces proline, which is neutral and non-polar, with leucine, which is neutral and non-polar, at codon 1370 of the LTBP4 protein (p.Pro1370Leu). The frequency data for this variant in the population databases is considered unreliable, as metrics indicate poor data quality at this position in the gnomAD database. This variant has not been reported in the literature in individuals affected with LTBP4-related conditions. ClinVar contains an entry for this variant (Variation ID: 329326). Experimental studies and prediction algorithms are not available or were not evaluated, and the functional significance of this variant is currently unknown. In summary, the available evidence is currently insufficient to determine the role of this variant in disease. Therefore, it has been classified as a Variant of Uncertain Significance.